The following is an entry in ClinVar:

NC_000002.12:g.121530975_121530976insA

Genes: CLASP1 (cytoplasmic linker associated protein 1; minus strand), CLASP1-AS1 (CLASP1 antisense RNA 1; plus strand), RNU4ATAC (RNA, U4atac small nuclear; plus strand). Cytogenetic location: 2q14.2.
Variant type: Insertion.
Molecular consequence: intron variant (on NM_001395891.1).
Genome position: GRCh38 VCF-style: chr2-121530975-C-CA. GRCh37 (hg19) VCF-style: chr2-122288551-C-CA.
Other names: c.196-651_196-650insT (NM_001395891.1, NM_001378004.1, NM_001142273.2 and 5 more transcripts).
Identifiers: ClinVar variation 1931799 (VCV001931799.5), dbSNP rs1559534848, ClinGen allele CA536071236.
Genomic context (GRCh38, chr2:121,530,975, plus strand): 5'-TGAGCGCATAGTGAGGGCAGTACTGCTAACGCCTGAACAACACACCCGCATCAACTAGAG[C>CA]TTTTGCTTTATTTTGGTGCAATTTTTGGAAAAATGAAAACCTGTTTTCATAGACTTATCA-3'

ClinVar aggregate classification (germline): Uncertain significance (1 of 4 stars; one submission).

Allele frequency attached by ClinVar (database versions not stated): gnomAD exomes below 0.00001.

Submission:

Labcorp Genetics (formerly Invitae), Labcorp
Classification: Uncertain significance. Last evaluated: 2022-04-23. Review status: criteria provided, single submitter. Criteria: Invitae Variant Classification Sherloc (09022015). Collection method: clinical testing. Allele origin: germline.
Comment: This variant occurs in the RNU4ATAC gene, which encodes an RNA molecule that does not result in a protein product. This variant is present in population databases (no rsID available, gnomAD 0.004%). This variant has not been reported in the literature in individuals affected with RNU4ATAC-related conditions. Experimental studies and prediction algorithms are not available or were not evaluated, and the functional significance of this variant is currently unknown. In summary, the available evidence is currently insufficient to determine the role of this variant in disease. Therefore, it has been classified as a Variant of Uncertain Significance.